The following is an entry in ClinVar:

ClinVar aggregate classification (germline): Benign/Likely benign. Review status: criteria provided, multiple submitters, no conflicts (2 of 4 stars). 6 submissions from 6 submitters: Benign (5); Likely benign (1). Last evaluated 2026-02-04.

Conditions:
Fraser syndrome 2 (FRASRS2). Identifiers: MedGen C4540036, MONDO:0054738, OMIM 617666.

Allele frequency attached by ClinVar (database versions not stated): ESP Exome Variant Server 0.00062; gnomAD 0.00364 and 0.00507; gnomAD exomes 0.00413 and 0.00948; TOPMed 0.00603; ExAC 0.00961; 1000 Genomes Project 30x 0.01905; 1000 Genomes Project 0.02077.
gnomAD v4.1: 6,914 of 1,612,572 alleles (0.43%); highest among the groups gnomAD compares: East Asian, 10%; 281 homozygotes.

Submissions (6):

Labcorp Genetics (formerly Invitae), Labcorp
Classification: Benign. Last evaluated: 2026-02-04. Review status: criteria provided, single submitter. Criteria: Invitae Variant Classification Sherloc (09022015). Collection method: clinical testing. Allele origin: germline.

Blueprint Genetics
Classification: Likely benign. Last evaluated: 2024-11-27. Review status: criteria provided, single submitter. Criteria: ACMG Guidelines, 2015. Collection method: clinical testing. Allele origin: germline.

GeneDx
Classification: Benign. Last evaluated: 2021-06-19. Review status: criteria provided, single submitter. Criteria: GeneDx Variant Classification Process June 2021. Collection method: clinical testing. Allele origin: germline. Affected: yes.

Illumina Laboratory Services, Illumina
Classification: Benign for Fraser syndrome 2. Last evaluated: 2018-01-13. Review status: criteria provided, single submitter. Criteria: ICSL Variant Classification Criteria 13 December 2019. Collection method: clinical testing. Allele origin: germline.
Comment: This variant was observed in the ICSL laboratory as part of a predisposition screen in an ostensibly healthy population. It had not been previously curated by ICSL or reported in the Human Gene Mutation Database (HGMD: prior to June 1st, 2018), and was therefore a candidate for classification through an automated scoring system. Utilizing variant allele frequency, disease prevalence and penetrance estimates, and inheritance mode, an automated score was calculated to assess if this variant is too frequent to cause the disease. Based on the score and internal cut-off values, a variant classified as benign is not then subjected to further curation. The score for this variant resulted in a classification of benign for this disease.

Eurofins Ntd Llc (ga)
Classification: Benign. Last evaluated: 2015-06-26. Review status: criteria provided, single submitter. Criteria: EGL Classification Definitions 2015. Collection method: clinical testing. Allele origin: germline. Observed: 1 variant allele, 1 heterozygote.

Breakthrough Genomics
Classification: Benign. Review status: criteria provided, single submitter. Criteria: ACMG Guidelines, 2015. Collection method: not provided. Allele origin: germline. Inheritance: Autosomal recessive inheritance. Affected: yes.

NM_207361.6(FREM2):c.6925+7G>T

Gene: FREM2 (FRAS1 related extracellular matrix 2; plus strand). Cytogenetic location: 13q13.3.
Variant type: single nucleotide variant.
Coding change: c.6925+7G>T on transcript NM_207361.6 (MANE Select); 7 bases into the intron after coding-DNA position 6925, G replaced by T.
Molecular consequence: intron variant.
Genome position (GRCh38, 1-based): chr13:38,851,875, G>T. VCF-style: chr13-38851875-G-T. GRCh37 (hg19) VCF-style: chr13-39426012-G-T.
Identifiers: ClinVar variation 281548 (VCV000281548.21), dbSNP rs79530106, ClinGen allele CA6955704.
Genomic context (GRCh38, chr13:38,851,875, plus strand): 5'-ACACCAAGGATGGCTCGGCCACCTCTGGAGAAGACTACCACCCTGTGTCAGAAGGTATGG[G>T]GCTCCCAGGGCCTGTCTCCTGATGGATCATGCCAACTCTGTGTTTCAGTGCCAGTGCCCT-3'